The following is an entry in ClinVar:

NM_000179.3(MSH6):c.2032G>C (p.Glu678Gln)

Gene: MSH6 (mutS homolog 6; plus strand). Cytogenetic location: 2p16.3.
Variant type: single nucleotide variant.
Coding change: c.2032G>C on transcript NM_000179.3 (MANE Select); coding-DNA position 2032, G replaced by C.
Protein change: p.Glu678Gln; replaces glutamic acid 678 with glutamine.
Molecular consequence: missense variant.
Genome position (GRCh38, 1-based): chr2:47,800,015, G>C. VCF-style: chr2-47800015-G-C. GRCh37 (hg19) VCF-style: chr2-48027154-G-C.
Other names: c.1642G>C, p.Glu548Gln (NM_001281492.2); c.1126G>C, p.Glu376Gln (NM_001281493.2, NM_001281494.2); short protein forms E678Q, E376Q, E548Q.
Identifiers: ClinVar variation 230009 (VCV000230009.30), dbSNP rs751778243, ClinGen allele CA068389.
Genomic context (GRCh38, chr2:47,800,015, plus strand): 5'-GTGCTTAAAGGTATGACTTCAGAGTCTGATTCCATTGGGTTGACACCAGGAGAGAAAAGT[G>C]AATTGGCCCTCTCTGCTCTAGGTGGTTGTGTCTTCTACCTCAAAAAATGCCTTATTGATC-3'
Protein context (NP_000170.1, residues 668-688): SIGLTPGEKS[Glu678Gln]LALSALGGCV

ClinVar aggregate classification (germline): Conflicting classifications of pathogenicity. Review status: criteria provided, conflicting classifications (1 of 4 stars). 7 submissions from 7 submitters: Uncertain significance (6); Likely benign (1). Last evaluated 2025-12-22.

Conditions:
Hereditary nonpolyposis colorectal neoplasms. Identifiers: MedGen C0009405, MeSH D003123.
Hereditary cancer-predisposing syndrome. Also called: Hereditary neoplastic syndrome; Hereditary Cancer Syndrome; Neoplastic Syndromes, Hereditary; Tumor predisposition. Identifiers: Orphanet 140162, MedGen C0027672, MeSH D009386, MONDO:0015356.
Lynch syndrome. Identifiers: Orphanet 144, MedGen C4552100, MONDO:0005835. Disease mechanism: loss of function.
Endometrial carcinoma. Also called: Endometrial carcinoma, somatic. Identifiers: MedGen C0476089, MONDO:0002447, OMIM 608089, HP:0012114.

Allele frequency attached by ClinVar (database versions not stated): ExAC 0.00001; gnomAD exomes 0.00001 and 0.00002.

Submissions (7):

Labcorp Genetics (formerly Invitae), Labcorp
Classification: Likely benign for Hereditary nonpolyposis colorectal neoplasms. Last evaluated: 2025-12-22. Review status: criteria provided, single submitter. Criteria: Invitae Variant Classification Sherloc (09022015). Collection method: clinical testing. Allele origin: germline.

Ambry Genetics
Classification: Uncertain significance for Hereditary cancer-predisposing syndrome. Last evaluated: 2025-10-28. Review status: criteria provided, single submitter. Criteria: Ambry Variant Classification Scheme 2023. Collection method: clinical testing. Allele origin: germline.
Comment: The p.E678Q variant (also known as c.2032G>C), located in coding exon 4 of the MSH6 gene, results from a G to C substitution at nucleotide position 2032. The glutamic acid at codon 678 is replaced by glutamine, an amino acid with highly similar properties. This alteration has been previously detected in a cohort of 381 unselected endometrial cancer patients who underwent multi-gene panel testing (Ring KL et al. Mod. Pathol., 2016 Nov;29:1381-1389). This amino acid position is highly conserved in available vertebrate species. In addition, the in silico prediction for this alteration is inconclusive. Since supporting evidence is limited at this time, the clinical significance of this alteration remains unclear.

Quest Diagnostics Nichols Institute San Juan Capistrano
Classification: Uncertain significance. Last evaluated: 2025-03-31. Review status: criteria provided, single submitter. Criteria: Quest Diagnostics criteria. Collection method: clinical testing. Allele origin: unknown.
Comment: The MSH6 c.2032G>C (p.Glu678Gln) variant has been reported in the published literature in an individual affected with endometrial cancer (PMID: 27443514 (2016)). The frequency of this variant in the general population (Genome Aggregation Database) is uninformative in the assessment of its pathogenicity. Analysis of this variant using bioinformatics tools for the prediction of the effect of amino acid changes on protein structure and function yielded conflicting predictions that this variant is benign or damaging. Based on the available information, we are unable to determine the clinical significance of this variant.

GeneDx
Classification: Uncertain significance. Last evaluated: 2024-07-05. Review status: criteria provided, single submitter. Criteria: GeneDx Variant Classification Process June 2021. Collection method: clinical testing. Allele origin: germline. Affected: yes.
Comment: Not observed at significant frequency in large population cohorts (gnomAD); In silico analysis indicates that this missense variant does not alter protein structure/function; Observed in a patient with endometrial cancer who also had a variant in MLH1 (PMID: 27443514); This variant is associated with the following publications: (PMID: 17531815, 21120944, 27443514)

All of Us Research Program, National Institutes of Health
Classification: Uncertain significance for Lynch syndrome. Last evaluated: 2024-02-05. Review status: criteria provided, single submitter. Criteria: ACMG Guidelines, 2015. Collection method: clinical testing. Allele origin: germline. Inheritance: Autosomal dominant inheritance. Observed: 3 variant alleles, 3 heterozygotes.
Comment: This missense variant replaces glutamic acid with glutamine at codon 678 of the MSH6 protein. Computational prediction tools and conservation analyses suggest that this variant may have deleterious impact on the protein function. Computational splicing tools suggest that this variant may not impact RNA splicing. To our knowledge, functional assays have not been performed for this variant. This variant has been reported in an individual affected with endometrial cancer (PMID: 27443514). This variant has been identified in 5/250724 chromosomes in the general population by the Genome Aggregation Database (gnomAD). Available evidence is insufficient to determine the role of this variant in disease conclusively. Therefore, this variant is classified as a Variant of Uncertain Significance.

This study involves interpretation of variants in research participants for the purpose of population health screening. Participant phenotype was not available at the time of variant classification. Additional details can be found in publication PMID: 35346344, PMCID: PMC8962531

Baylor Genetics
Classification: Uncertain significance for Endometrial carcinoma. Last evaluated: 2023-12-12. Review status: criteria provided, single submitter. Criteria: ACMG Guidelines, 2015. Collection method: clinical testing. Allele origin: unknown.

Color Diagnostics, LLC DBA Color Health
Classification: Uncertain significance for Hereditary cancer-predisposing syndrome. Last evaluated: 2023-08-23. Review status: criteria provided, single submitter. Criteria: ACMG Guidelines, 2015. Collection method: clinical testing. Allele origin: germline.
Comment: This missense variant replaces glutamic acid with glutamine at codon 678 of the MSH6 protein. Computational prediction is inconclusive regarding the impact of this variant on protein structure and function (internally defined REVEL score threshold 0.5 < inconclusive < 0.7, PMID: 27666373). To our knowledge, functional studies have not been reported for this variant. This variant has been reported in an individual affected with endometrial cancer (PMID: 27443514). This variant has been identified in 5/250724 chromosomes in the general population by the Genome Aggregation Database (gnomAD). The available evidence is insufficient to determine the role of this variant in disease conclusively. Therefore, this variant is classified as a Variant of Uncertain Significance.

Literature cited by the submitters: PubMed 27443514 (cited by 4 submitters).